The following is an entry in ClinVar:

ClinVar aggregate classification (germline): Uncertain significance (1 of 4 stars; one submission).

Allele frequency attached by ClinVar (database versions not stated): ExAC 0.00001; TOPMed 0.00001; gnomAD 0.00002.
gnomAD v4.1: 2 of 1,208,194 alleles (0.00017%); highest among the groups gnomAD compares: African/African-American, 0.0035%; no homozygotes.

Submission:

GeneDx
Classification: Uncertain significance. Last evaluated: 2022-10-18. Review status: criteria provided, single submitter. Criteria: GeneDx Variant Classification Process June 2021. Collection method: clinical testing. Allele origin: germline. Affected: yes.
Comment: In silico analysis supports that this missense variant has a deleterious effect on protein structure/function; Has not been previously published as pathogenic or benign to our knowledge

NM_018684.4(ZC4H2):c.88C>G (p.Arg30Gly)

Gene: ZC4H2 (zinc finger C4H2-type containing; minus strand). Cytogenetic location: Xq11.2.
Variant type: single nucleotide variant.
Coding change: c.88C>G on transcript NM_018684.4 (MANE Select); coding-DNA position 88, C replaced by G.
Protein change: p.Arg30Gly; replaces arginine 30 with glycine.
Molecular consequence: missense variant. On other transcripts: non-coding transcript variant (1).
Genome position (GRCh38, 1-based): chrX:64,921,954, G>C on the plus strand (C>G on the coding strand, the complement: ZC4H2 is on the minus strand). VCF-style: chrX-64921954-G-C. GRCh37 (hg19) VCF-style: chrX-64141834-G-C.
Other names: c.19C>G, p.Arg7Gly (NM_001178032.3, NM_001243804.2); c.88C>G, p.Arg30Gly (NM_001178033.3); short protein forms R30G, R7G.
Identifiers: ClinVar variation 1684143 (VCV001684143.3), dbSNP rs766029456, ClinGen allele CA10433485.